The following is an entry in ClinVar:

NM_080680.3(COL11A2):c.4864-64C>T

Gene: COL11A2 (collagen type XI alpha 2 chain; minus strand). Cytogenetic location: 6p21.32.
Variant type: single nucleotide variant.
Coding change: c.4864-64C>T on transcript NM_080680.3 (MANE Select); 64 bases into the intron before coding-DNA position 4864, C replaced by T.
Molecular consequence: intron variant.
Genome position (GRCh38, 1-based): chr6:33,164,537, G>A on the plus strand (C>T on the coding strand, the complement: COL11A2 is on the minus strand). VCF-style: chr6-33164537-G-A. GRCh37 (hg19) VCF-style: chr6-33132314-G-A.
Other names: c.4543-64C>T (NM_080679.3); c.4606-64C>T (NM_080681.3).
Identifiers: ClinVar variation 674975 (VCV000674975.1), dbSNP rs73408005, ClinGen allele CA12386431.
Genomic context (GRCh38, chr6:33,164,537, plus strand): 5'-GAAGGAGAGAGAGGGCTGGCCTCAGAGGGGGAGAGAGAGGGCTGGCCTCAGAGGGAGACA[G>A]AGACGGGCCTCAGGAGCATCTACGGCACCAGGACAGCTGAGCCAGAGTCATGAGCAGGGA-3'

ClinVar aggregate classification (germline): Benign (1 of 4 stars; one submission).

Allele frequency attached by ClinVar (database versions not stated): gnomAD exomes 0.04874; 1000 Genomes Project 0.09425; gnomAD 0.10050 and 0.10695; 1000 Genomes Project 30x 0.10228; TOPMed 0.10668.
gnomAD v4.1: 73,662 of 1,355,702 alleles (5.4%); highest among the groups gnomAD compares: African/African-American, 26%; 3,902 homozygotes.

Submission:

GeneDx
Classification: Benign. Last evaluated: 2018-06-19. Review status: criteria provided, single submitter. Criteria: GeneDx Variant Classification (06012015). Collection method: clinical testing. Allele origin: germline. Affected: yes.
Comment: This variant is considered likely benign or benign based on one or more of the following criteria: it is a conservative change, it occurs at a poorly conserved position in the protein, it is predicted to be benign by multiple in silico algorithms, and/or has population frequency not consistent with disease.